The following is an entry in ClinVar:

ClinVar aggregate classification (germline): Pathogenic (1 of 4 stars; one submission).

Conditions:
Hereditary cancer-predisposing syndrome. Also called: Neoplastic Syndromes, Hereditary; Tumor predisposition; Hereditary Cancer Syndrome; Hereditary neoplastic syndrome. Identifiers: Orphanet 140162, MedGen C0027672, MeSH D009386, MONDO:0015356.

Submission:

Ambry Genetics
Classification: Pathogenic for Hereditary cancer-predisposing syndrome. Last evaluated: 2022-06-13. Review status: criteria provided, single submitter. Criteria: Ambry Variant Classification Scheme 2023. Collection method: clinical testing. Allele origin: germline.
Comment: The c.2187delC pathogenic mutation, located in coding exon 4 of the MSH6 gene, results from a deletion of one nucleotide at nucleotide position 2187, causing a translational frameshift with a predicted alternate stop codon (p.Y730Ifs*6). This alteration is expected to result in loss of function by premature protein truncation or nonsense-mediated mRNA decay. As such, this alteration is interpreted as a disease-causing mutation.

NM_000179.3(MSH6):c.2187del (p.Tyr730fs)

Gene: MSH6 (mutS homolog 6; plus strand). Cytogenetic location: 2p16.3.
Variant type: Deletion.
Coding change: c.2187del on transcript NM_000179.3 (MANE Select); coding-DNA position 2187, one base deleted (C; older notation c.2187delC).
Protein change: p.Tyr730fs; shifts the reading frame from tyrosine 730.
Molecular consequence: frameshift variant.
Genome position (GRCh38, 1-based): chr2:47,800,170, C deleted; the last of 2 consecutive C bases (chr2:47,800,169-47,800,170); deleting either gives the same sequence. VCF-style (leftmost placement, unchanged base first): chr2-47800168-GC-G. GRCh37 (hg19) VCF-style: chr2-48027307-GC-G.
Other names: c.1797del, p.Tyr600fs (NM_001281492.2); c.1281del, p.Tyr428fs (NM_001281493.2, NM_001281494.2); c.2283delC, p.Tyr762Ilefs (NM_001406795.1, NM_001406802.1); c.2187delC, p.Tyr730Ilefs (NM_001406796.1, NM_001406798.1, NM_001406800.1 and 3 more transcripts); c.1890delC, p.Tyr631Ilefs (NM_001406797.1, NM_001406801.1, NM_001406805.1 and 10 more transcripts); c.1662delC, p.Tyr555Ilefs (NM_001406799.1, NM_001406806.1, NM_001406807.1); c.2109delC, p.Tyr704Ilefs (NM_001406804.1); c.1281delC, p.Tyr428Ilefs (NM_001406811.1, NM_001406812.1, NM_001406814.1 and 4 more transcripts); and 2 more; short protein forms Y730fs, Y428fs, Y600fs.
Identifiers: ClinVar variation 1787348 (VCV001787348.2), dbSNP rs2530655963, ClinGen allele CA2580067790.